The following is an entry in ClinVar:

NM_000037.4(ANK1):c.31G>A (p.Asp11Asn)

Gene: ANK1 (ankyrin 1; minus strand). Cytogenetic location: 8p11.21.
Variant type: single nucleotide variant.
Coding change: c.31G>A on transcript NM_000037.4 (MANE Select); coding-DNA position 31, G replaced by A.
Protein change: p.Asp11Asn; replaces aspartic acid 11 with asparagine.
Molecular consequence: missense variant.
Genome position (GRCh38, 1-based): chr8:41,758,134, C>T on the plus strand (G>A on the coding strand, the complement: ANK1 is on the minus strand). VCF-style: chr8-41758134-C-T. GRCh37 (hg19) VCF-style: chr8-41615652-C-T.
Other names: c.130G>A, p.Asp44Asn (NM_001142446.2); c.31G>A, p.Asp11Asn (NM_020475.3, NM_020476.3, NM_020477.3); short protein forms D11N, D44N.
Identifiers: ClinVar variation 1305313 (VCV001305313.3), dbSNP rs760389556, ClinGen allele CA4729103.
Genomic context (GRCh38, chr8:41,758,134, plus strand): 5'-GATCCAAAGCTTTGTCCAAGTTACCTGATCTTGCTGCTCTCAGAAAGCTGGTAGCAGCAT[C>T]GGCCTGTGAGGAAAAACAACAGGCGGTGAGTGTCCTGGGTGTATTAATGACTTCTCCACC-3'
Protein context (NP_000028.3, residues 1-21): MPYSVGFREA[Asp11Asn]AATSFLRAAR

ClinVar aggregate classification (germline): Uncertain significance. Review status: criteria provided, multiple submitters, no conflicts (2 of 4 stars). 2 submissions from 2 submitters: Uncertain significance (2). Last evaluated 2025-01-29.

Conditions:
Inborn genetic diseases. Identifiers: MedGen C0950123, MeSH D030342.

Allele frequency attached by ClinVar (database versions not stated): gnomAD 0.00001; gnomAD exomes 0.00002; ExAC 0.00004.
gnomAD v4.1: 30 of 1,613,454 alleles (0.0019%); highest among the groups gnomAD compares: East Asian, 0.0045%; no homozygotes.

Submissions (2):

Ambry Genetics
Classification: Uncertain significance for Inborn genetic diseases. Last evaluated: 2025-01-29. Review status: criteria provided, single submitter. Criteria: Ambry Variant Classification Scheme 2023. Collection method: clinical testing. Allele origin: germline.

GeneDx
Classification: Uncertain significance. Last evaluated: 2019-04-18. Review status: criteria provided, single submitter. Criteria: GeneDx Variant Classification Process June 2021. Collection method: clinical testing. Allele origin: germline. Affected: yes.
Comment: In silico analysis, which includes protein predictors and evolutionary conservation, supports a deleterious effect; Has not been previously published as pathogenic or benign to our knowledge